The following is an entry in ClinVar:

NM_001160148.2(DDHD1):c.836A>G (p.Asn279Ser)

Genes: DDHD1 (DDHD domain containing 1; minus strand), LOC130055658 (ATAC-STARR-seq lymphoblastoid active region 8401; plus strand). Cytogenetic location: 14q22.1.
Variant type: single nucleotide variant.
Coding change: c.836A>G on transcript NM_001160148.2 (MANE Select); coding-DNA position 836, A replaced by G.
Protein change: p.Asn279Ser; replaces asparagine 279 with serine.
Molecular consequence: missense variant.
Genome position (GRCh38, 1-based): chr14:53,152,263, T>C on the plus strand (A>G on the coding strand, the complement: DDHD1 is on the minus strand). VCF-style: chr14-53152263-T-C. GRCh37 (hg19) VCF-style: chr14-53618981-T-C.
Other names: c.836A>G, p.Asn279Ser (NM_001160147.2, NM_030637.3); c.836A>G (NM_001160148.1); short protein forms N279S.
Identifiers: ClinVar variation 838491 (VCV000838491.6), dbSNP rs151013237, ClinGen allele CA7191404.

ClinVar aggregate classification (germline): Uncertain significance. Review status: criteria provided, multiple submitters, no conflicts (2 of 4 stars). 2 submissions from 2 submitters: Uncertain significance (2). Last evaluated 2025-08-31.

Conditions:
Inborn genetic diseases. Identifiers: MedGen C0950123, MeSH D030342.
Hereditary spastic paraplegia 28. Also called: Spastic paraplegia 28, autosomal recessive. Identifiers: Orphanet 101008, MedGen C1836295, MONDO:0012256, OMIM 609340.

Allele frequency attached by ClinVar (database versions not stated): ExAC 0.00013; gnomAD 0.00002; gnomAD exomes 0.00003 and 0.00007; TOPMed 0.00003; ESP Exome Variant Server 0.00008.

Submissions (2):

Ambry Genetics
Classification: Uncertain significance for Inborn genetic diseases. Last evaluated: 2025-08-31. Review status: criteria provided, single submitter. Criteria: Ambry Variant Classification Scheme 2023. Collection method: clinical testing. Allele origin: germline.

Labcorp Genetics (formerly Invitae), Labcorp
Classification: Uncertain significance for Hereditary spastic paraplegia 28. Last evaluated: 2024-04-22. Review status: criteria provided, single submitter. Criteria: Invitae Variant Classification Sherloc (09022015). Collection method: clinical testing. Allele origin: germline.
Comment: This sequence change replaces asparagine, which is neutral and polar, with serine, which is neutral and polar, at codon 279 of the DDHD1 protein (p.Asn279Ser). This variant is present in population databases (rs151013237, gnomAD 0.01%). This variant has not been reported in the literature in individuals affected with DDHD1-related conditions. ClinVar contains an entry for this variant (Variation ID: 838491). An algorithm developed to predict the effect of missense changes on protein structure and function (PolyPhen-2) suggests that this variant¬†is likely to be tolerated. In summary, the available evidence is currently insufficient to determine the role of this variant in disease. Therefore, it has been classified as a Variant of Uncertain Significance.